The following is an entry in ClinVar:

NM_015629.4(PRPF31):c.82G>A (p.Glu28Lys)

Gene: PRPF31 (pre-mRNA processing factor 31; plus strand). Cytogenetic location: 19q13.42.
Variant type: single nucleotide variant.
Coding change: c.82G>A on transcript NM_015629.4 (MANE Select); coding-DNA position 82, G replaced by A.
Protein change: p.Glu28Lys; replaces glutamic acid 28 with lysine.
Molecular consequence: missense variant.
Genome position (GRCh38, 1-based): chr19:54,118,360, G>A. VCF-style: chr19-54118360-G-A. GRCh37 (hg19) VCF-style: chr19-54621740-G-A.
Other names: short protein forms E28K.
Identifiers: ClinVar variation 2073717 (VCV002073717.4), dbSNP rs2516079079, ClinGen allele CA407789445.

ClinVar aggregate classification (germline): Uncertain significance (1 of 4 stars; one submission).

Submission:

Labcorp Genetics (formerly Invitae), Labcorp
Classification: Uncertain significance. Last evaluated: 2022-01-04. Review status: criteria provided, single submitter. Criteria: Invitae Variant Classification Sherloc (09022015). Collection method: clinical testing. Allele origin: germline.
Comment: This variant is not present in population databases (gnomAD no frequency). In summary, the available evidence is currently insufficient to determine the role of this variant in disease. Therefore, it has been classified as a Variant of Uncertain Significance. Algorithms developed to predict the effect of missense changes on protein structure and function are either unavailable or do not agree on the potential impact of this missense change (SIFT: "Tolerated"; PolyPhen-2: "Not Available"; Align-GVGD: "Class C0"). This variant has not been reported in the literature in individuals affected with PRPF31-related conditions. This sequence change replaces glutamic acid, which is acidic and polar, with lysine, which is basic and polar, at codon 28 of the PRPF31 protein (p.Glu28Lys).